The following is an entry in ClinVar:

ClinVar aggregate classification (germline): Uncertain significance (1 of 4 stars; one submission).

Allele frequency attached by ClinVar (database versions not stated): ExAC 0.00001; gnomAD exomes 0.00001.
gnomAD v4.1: 4 of 1,607,744 alleles (0.00025%); highest among the groups gnomAD compares: Middle Eastern, 0.033%; no homozygotes.

Submission:

CeGaT Center for Human Genetics Tuebingen
Classification: Uncertain significance. Last evaluated: 2023-02-01. Review status: criteria provided, single submitter. Criteria: CeGaT Center For Human Genetics Tuebingen Variant Classification Criteria Version 2. Collection method: clinical testing. Allele origin: germline. Affected: yes. Observed: 1 variant allele.
Comment: CACNA1D: PM2, BP4

NM_001128840.3(CACNA1D):c.5752C>G (p.His1918Asp)

Gene: CACNA1D (calcium voltage-gated channel subunit alpha1 D; plus strand). Cytogenetic location: 3p21.1.
Variant type: single nucleotide variant.
Coding change: c.5752C>G on transcript NM_001128840.3 (MANE Select); coding-DNA position 5752, C replaced by G.
Protein change: p.His1918Asp; replaces histidine 1918 with aspartic acid.
Molecular consequence: missense variant.
Genome position (GRCh38, 1-based): chr3:53,808,651, C>G. VCF-style: chr3-53808651-C-G. GRCh37 (hg19) VCF-style: chr3-53842678-C-G.
Other names: c.5812C>G, p.His1938Asp (NM_000720.4); c.5680C>G, p.His1894Asp (NM_001128839.3); short protein forms H1894D, H1918D, H1938D.
Identifiers: ClinVar variation 2653904 (VCV002653904.24), dbSNP rs760564550, ClinGen allele CA2455258.